The following is an entry in ClinVar:

ClinVar aggregate classification (germline): Uncertain significance (1 of 4 stars; one submission).

Submission:

GeneDx
Classification: Uncertain significance. Last evaluated: 2025-05-19. Review status: criteria provided, single submitter. Criteria: GeneDx Variant Classification Process June 2021. Collection method: clinical testing. Allele origin: germline. Affected: yes.
Comment: Not observed at significant frequency in large population cohorts (gnomAD); In silico analysis supports that this missense variant has a deleterious effect on protein structure/function; Has not been previously published as pathogenic or benign to our knowledge

NM_201599.3(ZMYM3):c.769A>G (p.Thr257Ala)

Gene: ZMYM3 (zinc finger MYM-type containing 3; minus strand). Cytogenetic location: Xq13.1.
Variant type: single nucleotide variant.
Coding change: c.769A>G on transcript NM_201599.3 (MANE Select); coding-DNA position 769, A replaced by G.
Protein change: p.Thr257Ala; replaces threonine 257 with alanine.
Molecular consequence: missense variant.
Genome position (GRCh38, 1-based): chrX:71,251,187, T>C on the plus strand (A>G on the coding strand, the complement: ZMYM3 is on the minus strand). VCF-style: chrX-71251187-T-C. GRCh37 (hg19) VCF-style: chrX-70471037-T-C.
Other names: c.769A>G, p.Thr257Ala (NM_001171162.1, NM_001171163.1, NM_005096.3); short protein forms T257A.
Identifiers: ClinVar variation 4530952 (VCV004530952.1).